The following is an entry in ClinVar:

NM_003622.4(PPFIBP1):c.1167A>G (p.Gln389=)

Gene: PPFIBP1 (PPFIB scaffold protein 1; plus strand). Cytogenetic location: 12p11.22.
Variant type: single nucleotide variant.
Coding change: c.1167A>G on transcript NM_003622.4 (MANE Select); coding-DNA position 1167, A replaced by G.
Protein change: p.Gln389=; no amino-acid change (glutamine 389 retained).
Molecular consequence: synonymous variant.
Genome position (GRCh38, 1-based): chr12:27,671,451, A>G. VCF-style: chr12-27671451-A-G. GRCh37 (hg19) VCF-style: chr12-27824384-A-G.
Other names: c.759A>G, p.Gln253= (NM_001198915.2); c.1125A>G, p.Gln375= (NM_001198916.2); c.1218A>G, p.Gln406= (NM_177444.3).
Identifiers: ClinVar variation 4862435 (VCV004862435.1).

ClinVar aggregate classification (germline): Uncertain significance (1 of 4 stars; one submission).

Conditions:
Inborn genetic diseases. Identifiers: MedGen C0950123, MeSH D030342.

gnomAD v4.1: 60 of 1,591,848 alleles (0.0038%); highest among the groups gnomAD compares: African/African-American, 0.078%; no homozygotes.

Submission:

Ambry Genetics
Classification: Uncertain significance for Inborn genetic diseases. Last evaluated: 2026-05-01. Review status: criteria provided, single submitter. Criteria: Ambry Variant Classification Scheme 2023. Collection method: clinical testing. Allele origin: germline.
Comment: The c.1218A>G (p.Q406Q) alteration is located in exon 14 (coding exon 12) of the PPFIBP1 gene. This alteration consists of a A to G substitution at nucleotide position 1218. This nucleotide substitution does not change the amino acid at codon 406. However, this change occurs in the last nucleotide of Exon 14 (c.1198_1313) which makes it likely to have some effect on normal mRNA splicing. Based on data from gnomAD, the G allele has an overall frequency of 0.007% (18/261530) total alleles studied. The highest observed frequency was 0.076% (18/23820) of African alleles. Based on insufficient or conflicting evidence, the clinical significance of this alteration remains unclear.